The following is an entry in ClinVar:

ClinVar aggregate classification (germline): Uncertain significance (1 of 4 stars; one submission).

Conditions:
Bardet-Biedl syndrome (BBS). Identifiers: Orphanet 110, MedGen C0752166, MONDO:0015229.

Submission:

Labcorp Genetics (formerly Invitae), Labcorp
Classification: Uncertain significance for Bardet-Biedl syndrome. Last evaluated: 2021-10-03. Review status: criteria provided, single submitter. Criteria: Invitae Variant Classification Sherloc (09022015). Collection method: clinical testing. Allele origin: germline.
Comment: In summary, the available evidence is currently insufficient to determine the role of this variant in disease. Therefore, it has been classified as a Variant of Uncertain Significance. Algorithms developed to predict the effect of missense changes on protein structure and function (SIFT, PolyPhen-2, Align-GVGD) all suggest that this variant is likely to be disruptive. This variant has not been reported in the literature in individuals affected with BBS1-related conditions. This variant is not present in population databases (ExAC no frequency). This sequence change replaces arginine with glycine at codon 570 of the BBS1 protein (p.Arg570Gly). The arginine residue is moderately conserved and there is a moderate physicochemical difference between arginine and glycine.

NM_024649.5(BBS1):c.1708C>G (p.Arg570Gly)

Genes: BBS1 (Bardet-Biedl syndrome 1; plus strand), ZDHHC24 (zDHHC palmitoyltransferase 24; minus strand). Cytogenetic location: 11q13.2.
Variant type: single nucleotide variant.
Coding change: c.1708C>G on transcript NM_024649.5 (MANE Select); coding-DNA position 1708, C replaced by G.
Protein change: p.Arg570Gly; replaces arginine 570 with glycine.
Molecular consequence: missense variant. On other transcripts: intron variant (1).
Genome position (GRCh38, 1-based): chr11:66,531,963, C>G. VCF-style: chr11-66531963-C-G. GRCh37 (hg19) VCF-style: chr11-66299434-C-G.
Other names: c.560-2475G>C (NM_001348571.2); short protein forms R570G.
Identifiers: ClinVar variation 1052231 (VCV001052231.45), dbSNP rs1434577015, ClinGen allele CA381426478.
Genomic context (GRCh38, chr11:66,531,963, plus strand): 5'-AGGGGTCAGGGGTGTATGCCCCCTGCTGCCATGGCCACTCCTCCATAGGTGCTGGTGCTT[C>G]GAGAAGGCCAAAGTGCACCCCTGCTGAGTGCCCACGTCAACATGCCTGGGAGCGAGGGGC-3'
Protein context (NP_078925.3, residues 560-580): ISDIIKVLVL[Arg570Gly]EGQSAPLLSA